The following is an entry in ClinVar:

ClinVar aggregate classification (germline): Likely pathogenic (1 of 4 stars; one submission).

Conditions:
Fanconi anemia (FA). Also called: Fanconi's anemia. Identifiers: Orphanet 84, MedGen C0015625, MeSH D005199, MONDO:0019391.

Submission:

Labcorp Genetics (formerly Invitae), Labcorp
Classification: Likely pathogenic for Fanconi anemia. Last evaluated: 2024-05-16. Review status: criteria provided, single submitter. Criteria: Invitae Variant Classification Sherloc (09022015). Collection method: clinical testing. Allele origin: germline.
Comment: This sequence change creates a premature translational stop signal (p.Gln1632Argfs*83) in the SLX4 gene. While this is not anticipated to result in nonsense mediated decay, it is expected to disrupt the last 203 amino acid(s) of the SLX4 protein. This variant is not present in population databases (gnomAD no frequency). This variant has not been reported in the literature in individuals affected with SLX4-related conditions. This variant disrupts the SLX1 interaction domain, which has been shown to be critical for SLX1-SLX4 complexing, and therefore will affect their Holliday junction resolvase and 5'-flap endonuclease activities (PMID: 19596235, 19596236). While functional studies have not been performed to directly test the effect of this variant on SLX4 protein function, this suggests that disruption of this region of the protein is causative of disease. In summary, the currently available evidence indicates that the variant is pathogenic, but additional data are needed to prove that conclusively. Therefore, this variant has been classified as Likely Pathogenic.

Literature cited by the submitters: PubMed 19596235; PubMed 19596236.

NM_032444.4(SLX4):c.4894del (p.Gln1632fs)

Gene: SLX4 (SLX4 structure-specific endonuclease subunit; minus strand). Cytogenetic location: 16p13.3.
Variant type: Deletion.
Coding change: c.4894del on transcript NM_032444.4 (MANE Select); coding-DNA position 4894, one base deleted (C; older notation c.4894delC).
Protein change: p.Gln1632fs; shifts the reading frame from glutamine 1632.
Molecular consequence: frameshift variant.
Genome position (GRCh38, 1-based): chr16:3,583,356, G deleted on the plus strand (C on the coding strand, the reverse complement: SLX4 is on the minus strand); the first of 3 consecutive G bases (chr16:3,583,356-3,583,358); deleting any one gives the same sequence. VCF-style (leftmost placement, unchanged base first): chr16-3583355-TG-T. GRCh37 (hg19) VCF-style: chr16-3633356-TG-T.
Other names: short protein forms Q1632fs.
Identifiers: ClinVar variation 3715505 (VCV003715505.2).